The following is an entry in ClinVar:

NM_000268.4(NF2):c.475_476inv (p.Lys159Leu)

Gene: NF2 (NF2, moesin-ezrin-radixin like (MERLIN) tumor suppressor; plus strand). Cytogenetic location: 22q12.2.
Variant type: Inversion.
Coding change: c.475_476inv on transcript NM_000268.4 (MANE Select).
Protein change: p.Lys159Leu; replaces lysine 159 with leucine.
Molecular consequence: missense variant. On other transcripts: 5 prime UTR variant (1), intron variant (1).
Genome position: GRCh38 VCF-style: chr22-29654684-AA-TT. GRCh37 (hg19) VCF-style: chr22-30050673-AA-TT.
Other names: c.475_476delinsTT (NM_000268.4); c.361_362inv, p.Lys121Leu (NM_001407053.1, NM_001407056.1); c.352_353inv, p.Lys118Leu (NM_001407054.1, NM_001407058.1, NM_001407062.1 and 1 more transcripts); c.349_350inv, p.Lys117Leu (NM_001407055.1, NM_181828.3); c.475_476inv, p.Lys159Leu (NM_001407057.1, NM_001407059.1, NM_001407060.1 and 4 more transcripts); c.475_476delAAinsTT (NM_000268.3); c.226_227inv, p.Lys76Leu (NM_001407063.1, NM_001407064.1, NM_181830.3 and 1 more transcripts); c.-166_-165inv (NM_001407065.1); and 2 more; short protein forms K117L, K118L, K121L, K159L, K76L, K82L.
Identifiers: ClinVar variation 2677246 (VCV002677246.5), ClinGen allele CA2695200087.

ClinVar aggregate classification (germline): Uncertain significance. Review status: criteria provided, multiple submitters, no conflicts (2 of 4 stars). 3 submissions from 3 submitters: Uncertain significance (3). Last evaluated 2025-04-23.

Conditions:
Familial meningioma. Also called: Meningioma, familial, susceptibility to. Identifiers: Orphanet 263662, MedGen C3551915, MONDO:0011789, OMIM 607174.
Hereditary cancer-predisposing syndrome. Also called: Neoplastic Syndromes, Hereditary; Tumor predisposition; Hereditary Cancer Syndrome; Hereditary neoplastic syndrome. Identifiers: Orphanet 140162, MedGen C0027672, MeSH D009386, MONDO:0015356.
Neurofibromatosis, type 2 (SWNV). Also called: BILATERAL ACOUSTIC NEUROFIBROMATOSIS; SCHWANNOMATOSIS, VESTIBULAR; NF2-Related Schwannomatosis. Identifiers: Orphanet 637, MedGen C0027832, MONDO:0007039, OMIM 101000. Disease mechanism: loss of function.

Submissions (3):

Ambry Genetics
Classification: Uncertain significance for Hereditary cancer-predisposing syndrome. Last evaluated: 2025-04-23. Review status: criteria provided, single submitter. Criteria: Ambry Variant Classification Scheme 2023. Collection method: clinical testing. Allele origin: germline.
Comment: The c.475_476delAAinsTT variant (also known as p.K159L), located in coding exon 5 of the NF2 gene, results from an in-frame deletion of AA and insertion of TT at nucleotide positions 475 to 476. This results in the substitution of the lysine residue for a leucine residue at codon 159, an amino acid with dissimilar properties. This amino acid position is well conserved in available vertebrate species. In addition, the in silico prediction for this variant is inconclusive (Choi Y et al. PLoS ONE. 2012; 7(10):e46688). Based on the available evidence, the clinical significance of this variant remains unclear.

Labcorp Genetics (formerly Invitae), Labcorp
Classification: Uncertain significance for Neurofibromatosis, type 2. Last evaluated: 2023-09-01. Review status: criteria provided, single submitter. Criteria: Invitae Variant Classification Sherloc (09022015). Collection method: clinical testing. Allele origin: germline.
Comment: Information on the frequency of this variant in the gnomAD database is not available, as this variant may be reported differently in the database. In summary, the available evidence is currently insufficient to determine the role of this variant in disease. Therefore, it has been classified as a Variant of Uncertain Significance. An algorithm developed to predict the effect of missense changes on protein structure and function (PolyPhen-2) suggests that this variant is likely to be tolerated. This variant has not been reported in the literature in individuals affected with NF2-related conditions. This sequence change replaces lysine, which is basic and polar, with leucine, which is neutral and non-polar, at codon 159 of the NF2 protein (p.Lys159Leu).

Baylor Genetics
Classification: Uncertain significance for Familial meningioma. Last evaluated: 2023-08-18. Review status: criteria provided, single submitter. Criteria: ACMG Guidelines, 2015. Collection method: clinical testing. Allele origin: unknown.